The following is an entry in ClinVar:

NM_001378477.3(NYX):c.1216A>G (p.Ser406Gly)

Gene: NYX (nyctalopin; plus strand). Cytogenetic location: Xp11.4.
Variant type: single nucleotide variant.
Coding change: c.1216A>G on transcript NM_001378477.3 (MANE Select); coding-DNA position 1216, A replaced by G.
Protein change: p.Ser406Gly; replaces serine 406 with glycine.
Molecular consequence: missense variant.
Genome position (GRCh38, 1-based): chrX:41,474,684, A>G. VCF-style: chrX-41474684-A-G. GRCh37 (hg19) VCF-style: chrX-41333937-A-G.
Other names: c.1216A>G, p.Ser406Gly (NM_022567.3); short protein forms S411G, S406G.
Identifiers: ClinVar variation 952549 (VCV000952549.9), dbSNP rs767790244, ClinGen allele CA10389925.
Genomic context (GRCh38, chrX:41,474,684, plus strand): 5'-GAGCTGAACCTCACCACGTCCAGTCCAGGCCCGTCCCCAGAACCAGCGGCCACCACCGTG[A>G]GCAGGTTCAGCAGCCTCCTCTCCAAGCTGCTGGCCCCGAGGGTCCCGGTGGAGGAGGCGG-3'
Protein context (NP_001365406.2, residues 396-416): PSPEPAATTV[Ser406Gly]RFSSLLSKLL

ClinVar aggregate classification (germline): Uncertain significance (1 of 4 stars; one submission).

Allele frequency attached by ClinVar (database versions not stated): ExAC below 0.00001.

Submission:

Labcorp Genetics (formerly Invitae), Labcorp
Classification: Uncertain significance. Last evaluated: 2019-07-21. Review status: criteria provided, single submitter. Criteria: Invitae Variant Classification Sherloc (09022015). Collection method: clinical testing. Allele origin: germline.
Comment: In summary, the available evidence is currently insufficient to determine the role of this variant in disease. Therefore, it has been classified as a Variant of Uncertain Significance. Algorithms developed to predict the effect of missense changes on protein structure and function are either unavailable or do not agree on the potential impact of this missense change (SIFT: "Deleterious"; PolyPhen-2: "Benign"; Align-GVGD: "Class C0"). This variant has not been reported in the literature in individuals with NYX-related conditions. The frequency data for this variant in the population databases is considered unreliable, as metrics indicate poor data quality at this position in the ExAC database. This sequence change replaces serine with glycine at codon 411 of the NYX protein (p.Ser411Gly). The serine residue is moderately conserved and there is a small physicochemical difference between serine and glycine.